The following is an entry in ClinVar:

ClinVar aggregate classification (germline): Uncertain significance. Review status: criteria provided, single submitter (1 of 4 stars). 2 submissions from 2 submitters: Uncertain significance (1). 1 of the submissions does not count toward it. Last evaluated 2024-07-23.

Conditions:
3-Oxo-5 alpha-steroid delta 4-dehydrogenase deficiency (PPSH). Also called: PSEUDOVAGINAL PERINEOSCROTAL HYPOSPADIAS; FAMILIAL INCOMPLETE MALE PSEUDOHERMAPHRODITISM, TYPE 2; MALE PSEUDOHERMAPHRODITISM DUE TO 5-ALPHA-REDUCTASE DEFICIENCY; 46,XY disorder of sex development due to 5-alpha-reductase 2 deficiency. Identifiers: Orphanet 753, MedGen C0268297, MONDO:0009923, OMIM 264600. Disease mechanism: loss of function.

Allele frequency attached by ClinVar (database versions not stated): gnomAD exomes 0.00002; TOPMed 0.00002.
gnomAD v4.1: 13 of 1,610,966 alleles (0.00081%); highest among the groups gnomAD compares: East Asian, 0.025%; no homozygotes.

Submissions (2):

Labcorp Genetics (formerly Invitae), Labcorp
Classification: Uncertain significance for 3-Oxo-5 alpha-steroid delta 4-dehydrogenase deficiency. Last evaluated: 2024-07-23. Review status: criteria provided, single submitter. Criteria: Invitae Variant Classification Sherloc (09022015). Collection method: clinical testing. Allele origin: germline.
Comment: This sequence change falls in intron 3 of the SRD5A2 gene. It does not directly change the encoded amino acid sequence of the SRD5A2 protein. This variant is present in population databases (no rsID available, gnomAD 0.02%). This variant has been observed in individual(s) with 5α-RD2 deficiency (PMID: 31186340). ClinVar contains an entry for this variant (Variation ID: 375328). Algorithms developed to predict the effect of sequence changes on RNA splicing suggest that this variant may disrupt the consensus splice site. In summary, the available evidence is currently insufficient to determine the role of this variant in disease. Therefore, it has been classified as a Variant of Uncertain Significance.

Clinical Molecular Genetics Laboratory, Johns Hopkins All Children's Hospital
Classification: Uncertain significance for 3-Oxo-5 alpha-steroid delta 4-dehydrogenase deficiency. Last evaluated: 2011-12-05. Review status: no assertion criteria provided. Collection method: clinical testing. Allele origin: germline. Affected: yes. Not counted in ClinVar's aggregate classification.

Literature cited by the submitters: PubMed 31186340 (cited by Labcorp Genetics (formerly Invitae), Labcorp).

NM_000348.4(SRD5A2):c.548-9T>G

Gene: SRD5A2 (steroid 5 alpha-reductase 2; minus strand). Cytogenetic location: 2p23.1.
Variant type: single nucleotide variant.
Coding change: c.548-9T>G on transcript NM_000348.4 (MANE Select); 9 bases into the intron before coding-DNA position 548, T replaced by G.
Molecular consequence: intron variant.
Genome position (GRCh38, 1-based): chr2:31,529,466, A>C on the plus strand (T>G on the coding strand, the complement: SRD5A2 is on the minus strand). VCF-style: chr2-31529466-A-C. GRCh37 (hg19) VCF-style: chr2-31754536-A-C.
Identifiers: ClinVar variation 375328 (VCV000375328.9), dbSNP rs1057519061, ClinGen allele CA346598150.